The following is an entry in ClinVar:

NM_000497.4(CYP11B1):c.693_694delinsT (p.Lys232fs)

Genes: CYP11B1 (cytochrome P450 family 11 subfamily B member 1; minus strand), LOC106799833 (CYP11B1 recombination region; plus strand). Cytogenetic location: 8q24.3.
Variant type: Indel.
Coding change: c.693_694delinsT on transcript NM_000497.4 (MANE Select); coding-DNA positions 693 to 694, CA replaced by T.
Protein change: p.Lys232fs; shifts the reading frame from lysine 232.
Molecular consequence: frameshift variant.
Genome position (GRCh38, 1-based): chr8:142,876,787-142,876,788, TG replaced by A on the plus strand (CA replaced by T on the coding strand, the reverse complement: CYP11B1 is on the minus strand). VCF-style: chr8-142876787-TG-A. GRCh37 (hg19) VCF-style: chr8-143958203-TG-A.
Other names: c.693_694delinsT, p.Lys232fs (NM_001026213.1); short protein forms K232fs.
Identifiers: ClinVar variation 1725783 (VCV001725783.2), dbSNP rs2488678148, ClinGen allele CA2580078669.
Genomic context (GRCh38, chr8:142,876,787, plus strand): 5'-CCTTGGGGCTGGTCCAGCGAGACAGGCTCCTGGGCATGAACATGAGCTGGACGGTGGATT[TG>A]AACATGACCTCCAGGGCATGGAGGAAGTTCAGGCTGGCAGAACTGGGGCTGTGGCCAACC-3'

ClinVar aggregate classification (germline): Likely pathogenic (1 of 4 stars; one submission).

Conditions:
Deficiency of steroid 11-beta-monooxygenase (CYP11B1). Also called: P450C11B1 DEFICIENCY; STEROID 11-BETA-HYDROXYLASE DEFICIENCY; Congenital adrenal hyperplasia due to 11-beta-hydroxylase deficiency; ADRENAL HYPERPLASIA, CONGENITAL, DUE TO STEROID 11-BETA-HYDROXYLASE DEFICIENCY; 11-BETA-HYDROXYLASE DEFICIENCY; ADRENAL HYPERPLASIA IV. Identifiers: Orphanet 90795, MedGen C0268292, MONDO:0008729, OMIM 202010. Disease mechanism: loss of function.

Submission:

Myriad Genetics, Inc.
Classification: Likely pathogenic for Deficiency of steroid 11-beta-monooxygenase. Last evaluated: 2022-04-01. Review status: criteria provided, single submitter. Criteria: Myriad Women's Health Autosomal Recessive and X-Linked Classification Criteria (2021). Collection method: clinical testing. Allele origin: unknown.
Comment: NM_000497.3(CYP11B1):c.693_694delCAinsT(K232Nfs*64) is expected to be pathogenic in the context of congenital adrenal hyperplasia, CYP11B1-related. This variant is predicted to lead to an abnormal or absent protein product due to the creation of a premature termination codon in CYP11B1, a gene where loss-of-function variants are known to be pathogenic. Please note: this variant was assessed in the context of healthy population screening.